The following is an entry in ClinVar:

NM_176824.3(BBS7):c.2137G>A (p.Asp713Asn)

Gene: BBS7 (Bardet-Biedl syndrome 7; minus strand). Cytogenetic location: 4q27.
Variant type: single nucleotide variant.
Coding change: c.2137G>A on transcript NM_176824.3 (MANE Select); coding-DNA position 2137, G replaced by A.
Protein change: p.Asp713Asn; replaces aspartic acid 713 with asparagine.
Molecular consequence: missense variant.
Genome position (GRCh38, 1-based): chr4:121,825,871, C>T on the plus strand (G>A on the coding strand, the complement: BBS7 is on the minus strand). VCF-style: chr4-121825871-C-T. GRCh37 (hg19) VCF-style: chr4-122747026-C-T.
Other names: short protein forms D713N.
Identifiers: ClinVar variation 1806257 (VCV001806257.2), dbSNP rs371449601, ClinGen allele CA3064050.

ClinVar aggregate classification (germline): Uncertain significance. Review status: criteria provided, single submitter (1 of 4 stars). 2 submissions from 2 submitters: Uncertain significance (1). 1 of the submissions does not count toward it. Last evaluated 2021-05-06.

Conditions:
BBS7-related disorder. Also called: BBS7-related condition.
Bardet-Biedl syndrome 7 (BBS7). Identifiers: Orphanet 110, MedGen C1859565, MONDO:0014435, OMIM 615984.

Allele frequency attached by ClinVar (database versions not stated): ExAC 0.00002; ESP Exome Variant Server 0.00008.
gnomAD v4.1: 4 of 1,612,990 alleles (0.00025%); highest among the groups gnomAD compares: Non-Finnish European, 0.00034%; no homozygotes.

Submissions (2):

Victorian Clinical Genetics Services, Murdoch Childrens Research Institute
Classification: Uncertain significance for Bardet-Biedl syndrome 7. Last evaluated: 2021-05-06. Review status: criteria provided, single submitter. Criteria: ACMG Guidelines, 2015. Collection method: clinical testing. Allele origin: germline. Affected: yes.
Comment: Based on the classification scheme VCGS_Germline_v1.1.1, this variant is classified as 3A-VUS. Following criteria are met: 0102 - Loss-of-function is a known mechanism of disease for this gene. (N) 0106 - This gene is known to be associated with autosomal recessive disease. (N) 0200 - Variant is predicted to result in a missense amino acid change from an aspartic acid to an asparagine (exon 19). (N) 0251 - Variant is heterozygous. (N) 0304 - Variant is present in gnomAD (v2) <0.01 for a recessive condition (1 heterozygote, 0 homozygotes). (P) 0503 - Missense variant consistently predicted to be tolerated or not conserved in mammals with a minor amino acid change. (B) 0604 - Variant is not located in an established domain, motif, hotspot or informative constraint region. (N) 0705 - No comparable variants have previous evidence for pathogenicity. (N) 0807 - Variant has not previously been reported in a clinical context. (N) 0905 - No segregation evidence has been identified for this variant. (N) 1007 - No published functional evidence has been identified for this variant. (N) 1102 - Strong phenotype match. (P) 1201 - Heterozygous variant detected in trans with a second (at least likely) pathogenic heterozygous variant (NM_176824.2(BBS7):c.1002delT; p.(Asn335Ilefs*47)) in a recessive disease. (N) Legend: (P) - Pathogenic, (N) - Neutral, (B) - Benign

PreventionGenetics, part of Exact Sciences
Classification: Uncertain significance for BBS7-related condition. Last evaluated: 2024-05-31. Review status: no assertion criteria provided. Collection method: clinical testing. Allele origin: germline. Not counted in ClinVar's aggregate classification.
Comment: The BBS7 c.2137G>A variant is predicted to result in the amino acid substitution p.Asp713Asn. To our knowledge, this variant has not been reported in the literature. This variant is reported in 0.00088% of alleles in individuals of European (Non-Finnish) descent in gnomAD. At this time, the clinical significance of this variant is uncertain due to the absence of conclusive functional and genetic evidence.